The following is an entry in ClinVar:

NM_006302.3(MOGS):c.896G>T (p.Gly299Val)

Gene: MOGS (mannosyl-oligosaccharide glucosidase; minus strand). Cytogenetic location: 2p13.1.
Variant type: single nucleotide variant.
Coding change: c.896G>T on transcript NM_006302.3 (MANE Select); coding-DNA position 896, G replaced by T.
Protein change: p.Gly299Val; replaces glycine 299 with valine.
Molecular consequence: missense variant.
Genome position (GRCh38, 1-based): chr2:74,462,893, C>A on the plus strand (G>T on the coding strand, the complement: MOGS is on the minus strand). VCF-style: chr2-74462893-C-A. GRCh37 (hg19) VCF-style: chr2-74690020-C-A.
Other names: c.578G>T, p.Gly193Val (NM_001146158.2); short protein forms G193V, G299V.
Identifiers: ClinVar variation 1388413 (VCV001388413.6), dbSNP rs2103980536, ClinGen allele CA347378779.
Genomic context (GRCh38, chr2:74,462,893, plus strand): 5'-AACTGCCCCTGCCCTTGCCCACTTGGACCTCTGTCCTCCCACTTCAGGGATCCTGGCAAG[C>A]CGAGGTAGCGTTCAGGGGGGGCCCCTGGGGGCCGATGCTGAAACCAGCTATTTAGGCGAC-3'
Protein context (NP_006293.2, residues 289-309): PPGAPPERYL[Gly299Val]LPGSLKWEDR

ClinVar aggregate classification (germline): Uncertain significance (1 of 4 stars; one submission).

Conditions:
MOGS-congenital disorder of glycosylation. Also called: CDG 2B; MOGS-CDG; CDG IIb; GLUCOSIDASE I DEFICIENCY. Identifiers: Orphanet 79330, MedGen C1853736, MONDO:0011629, OMIM 606056.

Submission:

Labcorp Genetics (formerly Invitae), Labcorp
Classification: Uncertain significance for MOGS-congenital disorder of glycosylation. Last evaluated: 2021-09-10. Review status: criteria provided, single submitter. Criteria: Invitae Variant Classification Sherloc (09022015). Collection method: clinical testing. Allele origin: germline.
Comment: This sequence change replaces glycine with valine at codon 299 of the MOGS protein (p.Gly299Val). The glycine residue is moderately conserved and there is a moderate physicochemical difference between glycine and valine. This variant is not present in population databases (ExAC no frequency). This variant has not been reported in the literature in individuals affected with MOGS-related conditions. Algorithms developed to predict the effect of missense changes on protein structure and function are either unavailable or do not agree on the potential impact of this missense change (SIFT: "Deleterious"; PolyPhen-2: "Possibly Damaging"; Align-GVGD: "Class C0"). In summary, the available evidence is currently insufficient to determine the role of this variant in disease. Therefore, it has been classified as a Variant of Uncertain Significance.